The following is an entry in ClinVar:

NM_000548.5(TSC2):c.5027T>A (p.Leu1676Gln)

Gene: TSC2 (TSC complex subunit 2; plus strand). Cytogenetic location: 16p13.3.
Variant type: single nucleotide variant.
Coding change: c.5027T>A on transcript NM_000548.5 (MANE Select); coding-DNA position 5027, T replaced by A.
Protein change: p.Leu1676Gln; replaces leucine 1676 with glutamine.
Molecular consequence: missense variant. On other transcripts: non-coding transcript variant (5).
Genome position (GRCh38, 1-based): chr16:2,087,900, T>A. VCF-style: chr16-2087900-T-A. GRCh37 (hg19) VCF-style: chr16-2137901-T-A.
Other names: c.4826T>A, p.Leu1609Gln (NM_001077183.3); c.4958T>A, p.Leu1653Gln (NM_001114382.3); c.4718T>A, p.Leu1573Gln (NM_001318827.2); c.4682T>A, p.Leu1561Gln (NM_001318829.2); c.4295T>A, p.Leu1432Gln (NM_001318831.2); c.4859T>A, p.Leu1620Gln (NM_001318832.2); c.4829T>A, p.Leu1610Gln (NM_001363528.2); c.4895T>A, p.Leu1632Gln (NM_001370404.1); and 26 more; short protein forms L1162Q, L1185Q, L1205Q, L1456Q, L1590Q, L1603Q, L1604Q, L1609Q.
Identifiers: ClinVar variation 3462584 (VCV003462584.1).

ClinVar aggregate classification (germline): Uncertain significance (1 of 4 stars; one submission).

Conditions:
Hereditary cancer-predisposing syndrome. Also called: Tumor predisposition; Neoplastic Syndromes, Hereditary; Hereditary neoplastic syndrome; Hereditary Cancer Syndrome. Identifiers: Orphanet 140162, MedGen C0027672, MeSH D009386, MONDO:0015356.

Submission:

Ambry Genetics
Classification: Uncertain significance for Hereditary cancer-predisposing syndrome. Last evaluated: 2024-07-11. Review status: criteria provided, single submitter. Criteria: Ambry Variant Classification Scheme 2023. Collection method: clinical testing. Allele origin: germline.
Comment: The p.L1676Q variant (also known as c.5027T>A), located in coding exon 38 of the TSC2 gene, results from a T to A substitution at nucleotide position 5027. The leucine at codon 1676 is replaced by glutamine, an amino acid with dissimilar properties. This amino acid position is conserved. In addition, this alteration is predicted to be deleterious by in silico analysis. Based on the available evidence, the clinical significance of this variant remains unclear.